The following is an entry in ClinVar:

ClinVar aggregate classification (germline): Uncertain significance (1 of 4 stars; one submission).

Conditions:
Early-infantile DEE. Also called: Early infantile epileptic encephalopathy with suppression bursts; Early infantile epileptic encephalopathy; Ohtahara syndrome. Identifiers: Orphanet 1934, MedGen C0393706, MONDO:0800491.

Submission:

Labcorp Genetics (formerly Invitae), Labcorp
Classification: Uncertain significance for Early-infantile DEE. Last evaluated: 2023-08-16. Review status: criteria provided, single submitter. Criteria: Invitae Variant Classification Sherloc (09022015). Collection method: clinical testing. Allele origin: germline.
Comment: This variant has not been reported in the literature in individuals affected with HCN1-related conditions. Advanced modeling of protein sequence and biophysical properties (such as structural, functional, and spatial information, amino acid conservation, physicochemical variation, residue mobility, and thermodynamic stability) performed at Invitae indicates that this missense variant is not expected to disrupt HCN1 protein function. In summary, the available evidence is currently insufficient to determine the role of this variant in disease. Therefore, it has been classified as a Variant of Uncertain Significance. This variant is not present in population databases (gnomAD no frequency). This sequence change replaces glycine, which is neutral and non-polar, with serine, which is neutral and polar, at codon 92 of the HCN1 protein (p.Gly92Ser).

NM_021072.4(HCN1):c.274G>A (p.Gly92Ser)

Gene: HCN1 (hyperpolarization activated cyclic nucleotide gated potassium channel 1; minus strand). Cytogenetic location: 5p12.
Variant type: single nucleotide variant.
Coding change: c.274G>A on transcript NM_021072.4 (MANE Select); coding-DNA position 274, G replaced by A.
Protein change: p.Gly92Ser; replaces glycine 92 with serine.
Molecular consequence: missense variant.
Genome position (GRCh38, 1-based): chr5:45,695,820, C>T on the plus strand (G>A on the coding strand, the complement: HCN1 is on the minus strand). VCF-style: chr5-45695820-C-T. GRCh37 (hg19) VCF-style: chr5-45695922-C-T.
Other names: short protein forms G92S.
Identifiers: ClinVar variation 2737673 (VCV002737673.3), dbSNP rs1413239994, ClinGen allele CA359706385.